The following is an entry in ClinVar:

NM_153033.5(KCTD7):c.209G>A (p.Arg70Gln)

Gene: KCTD7 (potassium channel tetramerization domain containing 7; plus strand). Cytogenetic location: 7q11.21.
Variant type: single nucleotide variant.
Coding change: c.209G>A on transcript NM_153033.5 (MANE Select); coding-DNA position 209, G replaced by A.
Protein change: p.Arg70Gln; replaces arginine 70 with glutamine.
Molecular consequence: missense variant.
Genome position (GRCh38, 1-based): chr7:66,633,339, G>A. VCF-style: chr7-66633339-G-A. GRCh37 (hg19) VCF-style: chr7-66098326-G-A.
Other names: c.209G>A, p.Arg70Gln (NM_001167961.2); short protein forms R70Q.
Identifiers: ClinVar variation 847364 (VCV000847364.8), dbSNP rs749483829, ClinGen allele CA4278197.

ClinVar aggregate classification (germline): Uncertain significance. Review status: criteria provided, multiple submitters, no conflicts (2 of 4 stars). 2 submissions from 2 submitters: Uncertain significance (2). Last evaluated 2021-09-01.

Conditions:
Progressive myoclonic epilepsy type 3. Also called: EPILEPSY, PROGRESSIVE MYOCLONIC, 3, WITH OR WITHOUT INTRACELLULAR INCLUSIONS; CEROID LIPOFUSCINOSIS, NEURONAL, 14; KCTD7-Related Progressive Myoclonic Epilepsy; EPILEPSY, PROGRESSIVE MYOCLONIC, 3, WITHOUT INTRACELLULAR INCLUSIONS. Identifiers: Orphanet 263516, MedGen C2673257, MONDO:0012721, OMIM 611726.

Allele frequency attached by ClinVar (database versions not stated): gnomAD exomes 0.00001; TOPMed 0.00001; ExAC 0.00002.
gnomAD v4.1: 7 of 1,613,868 alleles (0.00043%); highest among the groups gnomAD compares: Admixed American, 0.005%; no homozygotes.

Submissions (2):

Labcorp Genetics (formerly Invitae), Labcorp
Classification: Uncertain significance for Progressive myoclonic epilepsy type 3. Last evaluated: 2021-09-01. Review status: criteria provided, single submitter. Criteria: Invitae Variant Classification Sherloc (09022015). Collection method: clinical testing. Allele origin: germline.
Comment: This sequence change replaces arginine with glutamine at codon 70 of the KCTD7 protein (p.Arg70Gln). The arginine residue is highly conserved and there is a small physicochemical difference between arginine and glutamine. This variant is present in population databases (rs749483829, ExAC 0.01%). This variant has not been reported in the literature in individuals affected with KCTD7-related conditions. Algorithms developed to predict the effect of missense changes on protein structure and function (SIFT, PolyPhen-2, Align-GVGD) all suggest that this variant is likely to be tolerated. Algorithms developed to predict the effect of sequence changes on RNA splicing suggest that this variant may create or strengthen a splice site. In summary, the available evidence is currently insufficient to determine the role of this variant in disease. Therefore, it has been classified as a Variant of Uncertain Significance.

GeneDx
Classification: Uncertain significance. Last evaluated: 2019-11-25. Review status: criteria provided, single submitter. Criteria: GeneDx Variant Classification Process June 2021. Collection method: clinical testing. Allele origin: germline. Affected: yes.
Comment: Not observed at a significant frequency in large population cohorts (Lek et al., 2016); In silico analysis, which includes protein predictors and evolutionary conservation, supports a deleterious effect; In silico analysis, which includes protein predictors and evolutionary conservation, supports a deleterious effect; Has not been previously published as pathogenic or benign to our knowledge